The following is an entry in ClinVar:

ClinVar aggregate classification (germline): Pathogenic/Likely pathogenic. Review status: criteria provided, multiple submitters, no conflicts (2 of 4 stars). 12 submissions from 12 submitters: Pathogenic (7); Likely pathogenic (2). 3 of the submissions do not count toward it. Last evaluated 2026-04-23.

Conditions:
Muscular dystrophy-dystroglycanopathy (congenital with brain and eye anomalies), type A3. Also called: WALKER-WARBURG SYNDROME OR MUSCLE-EYE-BRAIN DISEASE, POMGNT1-RELATED; Muscular dystrophy-dystroglycanopathy (congenital with brain and eye anomalies), type A, 3; Congenital muscular dystrophy-dystroglycanopathy with brain and eye anomalies, type A3. Identifiers: MedGen C3151519, MONDO:0009667, OMIM 253280.
Muscular dystrophy-dystroglycanopathy (congenital with impaired intellectual development), type B, 3. Also called: MUSCULAR DYSTROPHY, CONGENITAL, POMGNT1-RELATED; Muscular dystrophy-dystroglycanopathy (congenital with intellectual disability), type B3. Identifiers: MedGen C3150412, MONDO:0013155, OMIM 613151.
Autosomal recessive limb-girdle muscular dystrophy type 2O. Also called: Limb-Girdle Muscular Dystrophy Type 3C; MUSCULAR DYSTROPHY-DYSTROGLYCANOPATHY, LIMB-GIRDLE, POMGNT1-RELATED; MUSCULAR DYSTROPHY-DYSTROGLYCANOPATHY (LIMB-GIRDLE), TYPE C, 3. Identifiers: Orphanet 206564, MedGen C3150417, MONDO:0013161, OMIM 613157.
Retinitis pigmentosa 76 (RP76). Identifiers: MedGen C4310704, MONDO:0014929, OMIM 617123.
POMGNT1-related disorder. Also called: POMGNT1-related disorders; POMGNT1-related condition. Identifiers: MedGen CN239299.
Muscular dystrophy-dystroglycanopathy. Also called: Congenital muscular dystrophy due to dystroglycanopathy. Identifiers: Orphanet 370953, MedGen C5679911, MONDO:0018276.
Muscle eye brain disease (MEB). Also called: Santavuori congenital muscular dystrophy. Identifiers: Orphanet 588, Orphanet 899, MedGen C0457133, MONDO:0018939.

Allele frequency attached by ClinVar (database versions not stated): TOPMed 0.00002; ExAC 0.00002; gnomAD 0.00004; gnomAD exomes 0.00002 and 0.00005.
gnomAD v4.1: 82 of 1,614,032 alleles (0.0051%); highest among the groups gnomAD compares: Non-Finnish European, 0.0064%; no homozygotes.

Submissions (12):

GeneDx
Classification: Pathogenic. Last evaluated: 2026-04-23. Review status: criteria provided, single submitter. Criteria: GeneDx Variant Classification Process June 2021. Collection method: clinical testing. Allele origin: germline.
Comment: Not observed at significant frequency in large population cohorts (gnomAD); In silico analysis supports that this missense variant has a deleterious effect on protein structure/function; This variant is associated with the following publications: (PMID: 18195152, 17559086, 21361872, 19067344, 15466003, 17906881, 22323514, 24282183, 17878207, 17030669, 31589614, 31964843)

Labcorp Genetics (formerly Invitae), Labcorp
Classification: Pathogenic for Autosomal recessive limb-girdle muscular dystrophy type 2O; Muscular dystrophy-dystroglycanopathy (congenital with impaired intellectual development), type B, 3. Last evaluated: 2025-12-15. Review status: criteria provided, single submitter. Criteria: Invitae Variant Classification Sherloc (09022015). Collection method: clinical testing. Allele origin: germline.
Comment: This sequence change replaces cysteine, which is neutral and slightly polar, with tyrosine, which is neutral and polar, at codon 490 of the POMGNT1 protein (p.Cys490Tyr). This variant is present in population databases (rs267606960, gnomAD 0.006%). This missense change has been observed in individual(s) with congenital muscular dystrophy, cobblestone lissencephaly, and muscle-eye-brain (MEB) disease (PMID: 15466003, 17030669, 17559086, 17878207, 22323514, 24282183). In at least one individual the data is consistent with being in trans (on the opposite chromosome) from a pathogenic variant. It has also been observed to segregate with disease in related individuals. ClinVar contains an entry for this variant (Variation ID: 4000). Invitae Evidence Modeling of protein sequence and biophysical properties (such as structural, functional, and spatial information, amino acid conservation, physicochemical variation, residue mobility, and thermodynamic stability) has been performed for this missense variant. However, the output from this modeling did not meet the statistical confidence thresholds required to predict the impact of this variant on POMGNT1 protein function. Experimental studies have shown that this missense change affects POMGNT1 function (PMID: 21361872). For these reasons, this variant has been classified as Pathogenic.

Natera, Inc.
Classification: Pathogenic for Muscle-eye-brain disease. Last evaluated: 2025-04-22. Review status: criteria provided, single submitter. Criteria: Natera Variant Classification Schema (03/2026). Collection method: clinical testing. Allele origin: germline.
Comment: The c.1469G>A variant in POMGNT1 is a missense variant predicted to cause substitution of cysteine to tyrosine at amino acid 490. This variant is rare in the general population with a frequency below the threshold expected for the associated phenotype(s). This variant has been observed in one or more individuals affected with the associated recessive disease, as either homozygous or compound heterozygous with a second variant (PMID: 15466003, 24282183, 17878207, 22323514). Computational prediction algorithms indicate this variant is likely to affect gene or protein function. Given the available evidence, this variant is classified as Pathogenic.

CeGaT Center for Human Genetics Tuebingen
Classification: Pathogenic. Last evaluated: 2024-06-01. Review status: criteria provided, single submitter. Criteria: CeGaT Center For Human Genetics Tuebingen Variant Classification Criteria Version 2. Collection method: clinical testing. Allele origin: germline. Affected: yes. Observed: 2 variant alleles.
Comment: POMGNT1: PM3:Very Strong, PM1, PM2, PP3, PP4, PS3:Supporting

Baylor Genetics
Classification: Pathogenic for Muscular dystrophy-dystroglycanopathy (congenital with brain and eye anomalies), type A3. Last evaluated: 2024-02-26. Review status: criteria provided, single submitter. Criteria: ACMG Guidelines, 2015. Collection method: clinical testing. Allele origin: unknown.

Broad Center for Mendelian Genomics, Broad Institute of MIT and Harvard
Classification: Likely pathogenic for Muscular dystrophy-dystroglycanopathy. Last evaluated: 2023-01-24. Review status: criteria provided, single submitter. Criteria: ACMG Guidelines, 2015. Collection method: curation. Allele origin: germline. Inheritance: Autosomal recessive inheritance.
Comment: The p.Cys490Tyr variant in POMGNT1 has been reported in 8 individuals with POMGNT1-associated muscular dystrophy-dystroglycanopathy (PMID: 15466003, 22323514, 17559086, 24282183, 17030669), and has been identified in 0.006% (2/35440) of Latino/Admixed American chromosomes by the Genome Aggregation Database (gnomAD; dbSNP ID: dbSNP ID rs267606960). Although this variant has been seen in the general population in a heterozygous state, its frequency is low enough to be consistent with a recessive carrier frequency. This variant has also been reported in ClinVar (Variation ID #4000) and has been interpreted as pathogenic by Invitae, Fulgent Genetics, CeGaT Center for Human Genetics Tuebingen, OMIM, and Natera, Inc, and as likely pathogenic by PerkinElmer Genomics and Counsyl. Of these 8 affected individuals, 3 were homozygotes, and at least 1 was a compound heterozygote that carried a pathogenic variant in trans, which increases the likelihood that the p.Cys490Tyr variant is pathogenic (PMID: 15466003, 22323514, 17559086, 24282183; ClinvarID: 265399). In vitro functional studies provide some evidence that the p.Cys490Tyr variant may impact protein function, as reflected by reduced catalytic activity in an in vitro enzymatic activity assay (PMID: 21361872). However, these types of assays may not accurately represent biological function. Computational prediction tools and conservation analyses suggest that this variant may impact the protein, though this information is not predictive enough to determine pathogenicity. In summary, although additional studies are required to fully establish its clinical significance, this variant is likely pathogenic for POMGNT1-associated muscular dystrophy-dystroglycanopathy. ACMG/AMP Criteria applied: PM3_Strong, PM2_supporting, PS3_Supporting, PP3 (Richards 2015).

Blueprint Genetics
Classification: Pathogenic for POMGNT1-related disorders. Last evaluated: 2022-12-02. Review status: criteria provided, single submitter. Criteria: ACMG Guidelines, 2015. Collection method: clinical testing. Allele origin: germline. Affected: yes. Observed: 5 variant alleles.

Fulgent Genetics
Classification: Pathogenic for Muscular dystrophy-dystroglycanopathy (congenital with brain and eye anomalies), type A3; Muscular dystrophy-dystroglycanopathy (congenital with impaired intellectual development), type B, 3; Autosomal recessive limb-girdle muscular dystrophy type 2O; Retinitis pigmentosa 76. Last evaluated: 2021-07-27. Review status: criteria provided, single submitter. Criteria: ACMG Guidelines, 2015. Collection method: clinical testing. Allele origin: unknown.

Revvity Omics, Revvity
Classification: Likely pathogenic. Last evaluated: 2021-03-25. Review status: criteria provided, single submitter. Criteria: ACMG Guidelines, 2015. Collection method: clinical testing. Allele origin: germline.

PreventionGenetics, part of Exact Sciences
Classification: Pathogenic for POMGNT1-related condition. Last evaluated: 2024-02-14. Review status: no assertion criteria provided. Collection method: clinical testing. Allele origin: germline. Not counted in ClinVar's aggregate classification.
Comment: The POMGNT1 c.1469G>A variant is predicted to result in the amino acid substitution p.Cys490Tyr. This variant has been reported in homozygous and compound heterozygous states in individuals with POMGNT1-related disorders (Diesen et al. 2004. PubMed ID: 15466003; Raducu et al. 2013. PubMed ID: 24282183; Biancheri et al. 2006. PubMed ID: 17030669; Godfrey et al. 2007. PubMed ID: 17878207; Bouchet et al. 2007. PubMed ID: 17559086). A functional study showed the p.Cys490 substitution does not decrease protein expression, but does cause reduced catalytic activity (Voglmeir et al. 2011. PubMed ID: 21361872). This variant is reported in 0.0056% of alleles in individuals of Latino descent in gnomAD. This variant is interpreted as pathogenic.

Counsyl
Classification: Likely pathogenic for Muscular dystrophy-dystroglycanopathy (congenital with brain and eye anomalies), type A3. Last evaluated: 2016-10-17. Review status: no assertion criteria provided. Collection method: clinical testing. Allele origin: unknown. Not counted in ClinVar's aggregate classification.

OMIM
Classification: Pathogenic for MUSCULAR DYSTROPHY-DYSTROGLYCANOPATHY (CONGENITAL WITH IMPAIRED INTELLECTUAL DEVELOPMENT), TYPE B, 3. Last evaluated: 2008-01-01. Review status: no assertion criteria provided. Collection method: literature only. Allele origin: germline. Not counted in ClinVar's aggregate classification.

Literature cited by the submitters: PubMed 15466003 (cited by 3 submitters); PubMed 17030669 (cited by Labcorp Genetics (formerly Invitae), Labcorp and Counsyl); PubMed 17559086 (cited by Labcorp Genetics (formerly Invitae), Labcorp); PubMed 17878207 (cited by Labcorp Genetics (formerly Invitae), Labcorp and Natera, Inc.); PubMed 22323514 (cited by 3 submitters); PubMed 24282183 (cited by Labcorp Genetics (formerly Invitae), Labcorp and Natera, Inc.); PubMed 21361872 (cited by Labcorp Genetics (formerly Invitae), Labcorp and Counsyl); PubMed 19067344 (cited by Counsyl); PubMed 18195152 (cited by OMIM).

NM_017739.4(POMGNT1):c.1469G>A (p.Cys490Tyr)

Genes: POMGNT1 (protein O-linked mannose N-acetylglucosaminyltransferase 1 (beta 1,2-); minus strand), TSPAN1 (tetraspanin 1; plus strand). Cytogenetic location: 1p34.1.
Variant type: single nucleotide variant.
Coding change: c.1469G>A on transcript NM_017739.4 (MANE Select); coding-DNA position 1469, G replaced by A.
Protein change: p.Cys490Tyr; replaces cysteine 490 with tyrosine.
Molecular consequence: missense variant.
Genome position (GRCh38, 1-based): chr1:46,192,168, C>T on the plus strand (G>A on the coding strand, the complement: POMGNT1 is on the minus strand). VCF-style: chr1-46192168-C-T. GRCh37 (hg19) VCF-style: chr1-46657840-C-T.
Other names: NM_017739.4(POMGNT1):c.1469G>A; c.1469G>A, p.Cys490Tyr (NM_001243766.2, NM_001410783.1); c.1403G>A, p.Cys468Tyr (NM_001290129.3); c.1040G>A, p.Cys347Tyr (NM_001290130.2); c.1469G>A (NM_001243766.1); short protein forms C490Y, C347Y, C468Y.
Identifiers: ClinVar variation 4000 (VCV000004000.66), dbSNP rs267606960, ClinGen allele CA116564.
Genomic context (GRCh38, chr1:46,192,168, plus strand): 5'-CCATTCATGTTGAGGCCGACGATGCCAAAGTGGTAGGATCGGGAAACGTCAGGGATGATG[C>T]ACTCTCGGCCCCGGCGTTGTTCAGGCATCCGCATCCACATGTCCCAATCCCAGAGCTGGC-3'
Protein context (NP_060209.4, residues 480-500): RMPEQRRGRE[Cys490Tyr]IIPDVSRSYH